The following is an entry in ClinVar:

NM_198253.3(TERT):c.1416G>A (p.Leu472=)

Gene: TERT (telomerase reverse transcriptase; minus strand). Cytogenetic location: 5p15.33.
Variant type: single nucleotide variant.
Coding change: c.1416G>A on transcript NM_198253.3 (MANE Select); coding-DNA position 1416, G replaced by A.
Protein change: p.Leu472=; no amino-acid change (leucine 472 retained).
Molecular consequence: synonymous variant. On other transcripts: non-coding transcript variant (2).
Genome position (GRCh38, 1-based): chr5:1,293,470, C>T on the plus strand (G>A on the coding strand, the complement: TERT is on the minus strand). VCF-style: chr5-1293470-C-T. GRCh37 (hg19) VCF-style: chr5-1293585-C-T.
Other names: c.1416G>A, p.Leu472= (NM_001193376.3, NM_003219.1).
Identifiers: ClinVar variation 1772143 (VCV001772143.18), dbSNP rs2478409978, ClinGen allele CA443240697.

ClinVar aggregate classification (germline): Likely benign. Review status: criteria provided, multiple submitters, no conflicts (2 of 4 stars). 3 submissions from 3 submitters: Likely benign (3). Last evaluated 2025-01-01.

Conditions:
Dyskeratosis congenita. Identifiers: Orphanet 1775, MedGen C0265965, MONDO:0015780.
Dyskeratosis congenita, autosomal dominant 2. Identifiers: MedGen C3151443, MONDO:0013521, OMIM 613989.
Idiopathic Pulmonary Fibrosis. Also called: Idiopathic fibrosing alveolitis, chronic form; idiopathic fibrosing alveolitis. Identifiers: Orphanet 2032, MedGen C1800706, MeSH D054990, MONDO:0800504.

Submissions (3):

CeGaT Center for Human Genetics Tuebingen
Classification: Likely benign. Last evaluated: 2025-01-01. Review status: criteria provided, single submitter. Criteria: CeGaT Center For Human Genetics Tuebingen Variant Classification Criteria Version 2. Collection method: clinical testing. Allele origin: germline. Affected: yes. Observed: 1 variant allele.
Comment: TERT: PM2:Supporting, BP4, BP7

Labcorp Genetics (formerly Invitae), Labcorp
Classification: Likely benign for Dyskeratosis congenita, autosomal dominant 2; Idiopathic Pulmonary Fibrosis. Last evaluated: 2023-07-18. Review status: criteria provided, single submitter. Criteria: Invitae Variant Classification Sherloc (09022015). Collection method: clinical testing. Allele origin: germline.

Ambry Genetics
Classification: Likely benign for Dyskeratosis congenita. Last evaluated: 2020-10-11. Review status: criteria provided, single submitter. Criteria: Ambry Variant Classification Scheme 2023. Collection method: clinical testing. Allele origin: germline.